The following is an entry in ClinVar:

NM_000428.3(LTBP2):c.3918G>C (p.Glu1306Asp)

Gene: LTBP2 (latent transforming growth factor beta binding protein 2; minus strand). Cytogenetic location: 14q24.3.
Variant type: single nucleotide variant.
Coding change: c.3918G>C on transcript NM_000428.3 (MANE Select); coding-DNA position 3918, G replaced by C.
Protein change: p.Glu1306Asp; replaces glutamic acid 1306 with aspartic acid.
Molecular consequence: missense variant.
Genome position (GRCh38, 1-based): chr14:74,506,813, C>G on the plus strand (G>C on the coding strand, the complement: LTBP2 is on the minus strand). VCF-style: chr14-74506813-C-G. GRCh37 (hg19) VCF-style: chr14-74973516-C-G.
Other names: short protein forms E1306D.
Identifiers: ClinVar variation 1374072 (VCV001374072.6), dbSNP rs937618308, ClinGen allele CA390386947.

ClinVar aggregate classification (germline): Uncertain significance (1 of 4 stars; one submission).

Submission:

Labcorp Genetics (formerly Invitae), Labcorp
Classification: Uncertain significance. Last evaluated: 2021-08-11. Review status: criteria provided, single submitter. Criteria: Invitae Variant Classification Sherloc (09022015). Collection method: clinical testing. Allele origin: germline.
Comment: This sequence change replaces glutamic acid with aspartic acid at codon 1306 of the LTBP2 protein (p.Glu1306Asp). The glutamic acid residue is highly conserved and there is a small physicochemical difference between glutamic acid and aspartic acid. This variant is not present in population databases (ExAC no frequency). This variant has not been reported in the literature in individuals affected with LTBP2-related conditions. Algorithms developed to predict the effect of missense changes on protein structure and function are either unavailable or do not agree on the potential impact of this missense change (SIFT: "Tolerated"; PolyPhen-2: "Possibly Damaging"; Align-GVGD: "Class C0"). In summary, the available evidence is currently insufficient to determine the role of this variant in disease. Therefore, it has been classified as a Variant of Uncertain Significance.